The following is an entry in ClinVar:

NM_025144.4(ALPK1):c.3251_3252delinsAG (p.Arg1084Gln)

Gene: ALPK1 (alpha kinase 1; plus strand). Cytogenetic location: 4q25.
Variant type: Indel.
Coding change: c.3251_3252delinsAG on transcript NM_025144.4 (MANE Select); coding-DNA positions 3251 to 3252, GA replaced by AG.
Protein change: p.Arg1084Gln; replaces arginine 1084 with glutamine.
Molecular consequence: missense variant.
Genome position (GRCh38, 1-based): chr4:112,438,546-112,438,547, GA replaced by AG. VCF-style: chr4-112438546-GA-AG. GRCh37 (hg19) VCF-style: chr4-113359702-GA-AG.
Other names: c.3251_3252delinsAG, p.Arg1084Gln (NM_001102406.2); c.3017_3018delinsAG, p.Arg1006Gln (NM_001253884.2); short protein forms R1006Q, R1084Q.
Identifiers: ClinVar variation 2159151 (VCV002159151.5), dbSNP rs2476516526, ClinGen allele CA2580071370.

ClinVar aggregate classification (germline): Benign/Likely benign. Review status: criteria provided, multiple submitters, no conflicts (2 of 4 stars). 2 submissions from 2 submitters: Benign (1); Likely benign (1). Last evaluated 2026-02-01.

Submissions (2):

Labcorp Genetics (formerly Invitae), Labcorp
Classification: Benign. Last evaluated: 2026-02-01. Review status: criteria provided, single submitter. Criteria: Invitae Variant Classification Sherloc (09022015). Collection method: clinical testing. Allele origin: germline.

Women's Health and Genetics/Laboratory Corporation of America, LabCorp
Classification: Likely benign. Last evaluated: 2026-01-30. Review status: criteria provided, single submitter. Criteria: LabCorp Variant Classification Summary - May 2015. Collection method: clinical testing. Allele origin: germline.
Comment: Variant summary: ALPK1 c.3251_3252delinsAG (p.Arg1084Gln) results in a conservative amino acid change in the encoded protein sequence. Algorithms developed to predict the effect of missense changes on protein structure and function are either unavailable or do not agree on the potential impact of this missense change. The variant allele was found at a frequency of 0.0099 in 282528 control chromosomes, predominantly at a frequency of 0.015 within the Non-Finnish European subpopulation in the gnomAD database, including 16 homozygotes. The observed variant frequency within Non-Finnish European control individuals in the gnomAD database exceeds the estimated maximal expected allele frequency for disease-causing variants in ALPK1. To our knowledge, no occurrence of c.3251_3252delinsAG in individuals affected with ALPK1-related conditions and no experimental evidence demonstrating its impact on protein function have been reported. ClinVar contains an entry for this variant (Variation ID: 2159151). Based on the evidence outlined above, the variant was classified as likely benign.